The following is an entry in ClinVar:

ClinVar aggregate classification (germline): Benign/Likely benign. Review status: criteria provided, multiple submitters, no conflicts (2 of 4 stars). 4 submissions from 4 submitters: Benign (1); Likely benign (2). 1 of the submissions does not count toward it. Last evaluated 2026-03-01.

Conditions:
KMT2E-related disorder. Also called: KMT2E-related condition.

Allele frequency attached by ClinVar (database versions not stated): gnomAD exomes 0.00024; ExAC 0.00092; gnomAD 0.00273; ESP Exome Variant Server 0.00315; 1000 Genomes Project 0.00399; 1000 Genomes Project 30x 0.00453.
gnomAD v4.1: 784 of 1,614,128 alleles (0.049%); highest among the groups gnomAD compares: African/African-American, 0.93%; 2 homozygotes.

Submissions (4):

CeGaT Center for Human Genetics Tuebingen
Classification: Likely benign. Last evaluated: 2026-03-01. Review status: criteria provided, single submitter. Criteria: CeGaT Center For Human Genetics Tuebingen Variant Classification Criteria Version 2. Collection method: clinical testing. Allele origin: germline. Affected: yes. Observed: 3 variant alleles.
Comment: KMT2E: BP4, BP7, BS1

Labcorp Genetics (formerly Invitae), Labcorp
Classification: Benign. Last evaluated: 2026-01-26. Review status: criteria provided, single submitter. Criteria: Invitae Variant Classification Sherloc (09022015). Collection method: clinical testing. Allele origin: germline.

Blueprint Genetics
Classification: Likely benign. Last evaluated: 2024-10-18. Review status: criteria provided, single submitter. Criteria: ACMG Guidelines, 2015. Collection method: clinical testing. Allele origin: germline.

PreventionGenetics, part of Exact Sciences
Classification: Benign for KMT2E-related condition. Last evaluated: 2019-08-09. Review status: no assertion criteria provided. Collection method: clinical testing. Allele origin: germline. Not counted in ClinVar's aggregate classification.
Comment: This variant is classified as benign based on ACMG/AMP sequence variant interpretation guidelines (Richards et al. 2015 PMID: 25741868, with internal and published modifications).

NM_182931.3(KMT2E):c.4497T>C (p.Phe1499=)

Gene: KMT2E (lysine methyltransferase 2E (inactive); plus strand). Cytogenetic location: 7q22.3.
Variant type: single nucleotide variant.
Coding change: c.4497T>C on transcript NM_182931.3 (MANE Select); coding-DNA position 4497, T replaced by C.
Protein change: p.Phe1499=; no amino-acid change (phenylalanine 1499 retained).
Molecular consequence: synonymous variant.
Genome position (GRCh38, 1-based): chr7:105,112,253, T>C. VCF-style: chr7-105112253-T-C. GRCh37 (hg19) VCF-style: chr7-104752700-T-C.
Other names: c.4371T>C, p.Phe1457= (NM_001410908.1); c.4497T>C, p.Phe1499= (NM_018682.4); c.4497T>C (NM_182931.2).
Identifiers: ClinVar variation 2061116 (VCV002061116.13), dbSNP rs115252503, ClinGen allele CA4424763.